The following is an entry in ClinVar:

NM_000100.4(CSTB):c.121G>A (p.Val41Met)

Gene: CSTB (cystatin B; minus strand). Cytogenetic location: 21q22.3.
Variant type: single nucleotide variant.
Coding change: c.121G>A on transcript NM_000100.4 (MANE Select); coding-DNA position 121, G replaced by A.
Protein change: p.Val41Met; replaces valine 41 with methionine.
Molecular consequence: missense variant.
Genome position (GRCh38, 1-based): chr21:43,774,705, C>T on the plus strand (G>A on the coding strand, the complement: CSTB is on the minus strand). VCF-style: chr21-43774705-C-T. GRCh37 (hg19) VCF-style: chr21-45194586-C-T.
Other names: p.V41M:GTG>ATG; short protein forms V41M.
Identifiers: ClinVar variation 195015 (VCV000195015.32), dbSNP rs143153487, ClinGen allele CA241275.

ClinVar aggregate classification (germline): Conflicting classifications of pathogenicity. Review status: criteria provided, conflicting classifications (1 of 4 stars). 11 submissions from 11 submitters: Uncertain significance (2); Benign (2); Likely benign (6). 1 of the submissions does not count toward it. Last evaluated 2026-01-13.

Conditions:
CSTB-related disorder. Also called: CSTB-related condition.
Progressive myoclonic epilepsy. Also called: Myoclonus epilepsy; Familial progressive myoclonic epilepsy; Progressive myoclonus epilepsy; Myoclonic Epilepsies, Progressive. Identifiers: Orphanet 308, Orphanet 98261, MedGen C0751778, MONDO:0020074.
Inborn genetic diseases. Identifiers: MedGen C0950123, MeSH D030342.
Unverricht-Lundborg syndrome. Also called: Myoclonic epilepsy of unverricht and lundborg; Progressive myoclonus epilepsy baltic myoclonic epilepsy; Myoclonus progressive epilepsy of Unverricht and Lundborg; Unverricht-Lundborg Disease; Epilepsy, progressive myoclonic 1A (Unverricht and Lundborg); EPILEPSY, PROGRESSIVE MYOCLONIC, 1A. Identifiers: Orphanet 308, MedGen C0751785, MONDO:0009698, OMIM 254800.

Allele frequency attached by ClinVar (database versions not stated): 1000 Genomes Project 30x 0.00031; 1000 Genomes Project 0.00040; TOPMed 0.00086; gnomAD 0.00100 and 0.00101; ESP Exome Variant Server 0.00115; ExAC 0.00119; gnomAD exomes 0.00119 and 0.00177.

Submissions (11):

Labcorp Genetics (formerly Invitae), Labcorp
Classification: Likely benign for Progressive myoclonic epilepsy. Last evaluated: 2026-01-13. Review status: criteria provided, single submitter. Criteria: Invitae Variant Classification Sherloc (09022015). Collection method: clinical testing. Allele origin: germline.

Blueprint Genetics
Classification: Likely benign. Last evaluated: 2024-11-06. Review status: criteria provided, single submitter. Criteria: ACMG Guidelines, 2015. Collection method: clinical testing. Allele origin: germline.

GeneDx
Classification: Likely benign. Last evaluated: 2021-04-28. Review status: criteria provided, single submitter. Criteria: GeneDx Variant Classification Process June 2021. Collection method: clinical testing. Allele origin: germline. Affected: yes.

Athena Diagnostics
Classification: Benign. Last evaluated: 2020-12-15. Review status: criteria provided, single submitter. Criteria: Athena Diagnostics criteria. Collection method: clinical testing. Allele origin: unknown.

Ambry Genetics
Classification: Likely benign for Inborn genetic diseases. Last evaluated: 2018-11-23. Review status: criteria provided, single submitter. Criteria: Ambry Variant Classification Scheme 2023. Collection method: clinical testing. Allele origin: germline.

Eurofins Ntd Llc (ga)
Classification: Likely benign. Last evaluated: 2018-06-15. Review status: criteria provided, single submitter. Criteria: EGL ClinVar v180209 classification definitions. Collection method: clinical testing. Allele origin: germline. Observed: 2 variant alleles, 2 heterozygotes.

Genome Diagnostics Laboratory, University Medical Center Utrecht
Classification: Benign for Unverricht-Lundborg syndrome. Last evaluated: 2017-07-28. Review status: criteria provided, single submitter. Criteria: ACGS Guidelines, 2013. Collection method: clinical testing. Allele origin: germline. Affected: yes. Study: VKGL Data-share Consensus.

Illumina Laboratory Services, Illumina
Classification: Uncertain significance for Unverricht-Lundborg syndrome. Last evaluated: 2017-04-27. Review status: criteria provided, single submitter. Criteria: ICSL Variant Classification Criteria 13 December 2019. Collection method: clinical testing. Allele origin: germline.

Clinical Genetics DNA and cytogenetics Diagnostics Lab, Erasmus MC, Erasmus Medical Center
Classification: Likely benign for Unverricht-Lundborg syndrome. Last evaluated: 2016-09-29. Review status: criteria provided, single submitter. Criteria: ACGS Guidelines, 2013. Collection method: clinical testing. Allele origin: germline. Affected: yes. Study: VKGL Data-share Consensus.

Center for Pediatric Genomic Medicine, Children's Mercy Hospital and Clinics
Classification: Uncertain significance. Last evaluated: 2015-12-23. Review status: criteria provided, single submitter. Criteria: ACMG Guidelines, 2015. Collection method: clinical testing. Allele origin: germline.
ClinVar note: Converted during submission from Uncertain Significance to Uncertain significance.

PreventionGenetics, part of Exact Sciences
Classification: Likely benign for CSTB-related condition. Last evaluated: 2022-05-25. Review status: no assertion criteria provided. Collection method: clinical testing. Allele origin: germline. Not counted in ClinVar's aggregate classification.
Comment: This variant is classified as likely benign based on ACMG/AMP sequence variant interpretation guidelines (Richards et al. 2015 PMID: 25741868, with internal and published modifications).